The following is an entry in ClinVar:

ClinVar aggregate classification (germline): Conflicting classifications of pathogenicity. Review status: criteria provided, conflicting classifications (1 of 4 stars). 3 submissions from 3 submitters: Pathogenic (1); Likely pathogenic (1); Uncertain significance (1). Last evaluated 2023-07-17.

Conditions:
Developmental and epileptic encephalopathy 94 (DEE94). Also called: CHD2-Related Neurodevelopmental Disorders; Epileptic encephalopathy, childhood-onset. Identifiers: Orphanet 1942, Orphanet 2382, MedGen C3809278, MONDO:0014150, OMIM 615369.

Submissions (3):

Labcorp Genetics (formerly Invitae), Labcorp
Classification: Uncertain significance for Developmental and epileptic encephalopathy 94. Last evaluated: 2023-07-17. Review status: criteria provided, single submitter. Criteria: Invitae Variant Classification Sherloc (09022015). Collection method: clinical testing. Allele origin: germline.
Comment: This variant has not been reported in the literature in individuals affected with CHD2-related conditions. This variant is not present in population databases (gnomAD no frequency). This sequence change replaces histidine, which is basic and polar, with arginine, which is basic and polar, at codon 902 of the CHD2 protein (p.His902Arg). ClinVar contains an entry for this variant (Variation ID: 976063). In summary, the available evidence is currently insufficient to determine the role of this variant in disease. Therefore, it has been classified as a Variant of Uncertain Significance. Advanced modeling of protein sequence and biophysical properties (such as structural, functional, and spatial information, amino acid conservation, physicochemical variation, residue mobility, and thermodynamic stability) performed at Invitae indicates that this missense variant is expected to disrupt CHD2 protein function.

Institute of Human Genetics, University of Leipzig Medical Center
Classification: Likely pathogenic for Developmental and epileptic encephalopathy 94. Last evaluated: 2018-09-19. Review status: criteria provided, single submitter. Criteria: ACMG Guidelines, 2015. Collection method: clinical testing. Allele origin: de novo. Affected: yes. Observed: 1 variant allele.
Comment: This variant was identified as de novo (maternity and paternity confirmed).

Institute of Human Genetics, Clinical Exome/Genome Diagnostics Group, University Hospital Bonn
Classification: Pathogenic for Developmental and epileptic encephalopathy 94. Review status: criteria provided, single submitter. Criteria: ACMG Guidelines, 2015. Collection method: clinical testing. Allele origin: germline. Affected: yes.

NM_001271.4(CHD2):c.2705A>G (p.His902Arg)

Gene: CHD2 (chromodomain helicase DNA binding protein 2; plus strand). Cytogenetic location: 15q26.1.
Variant type: single nucleotide variant.
Coding change: c.2705A>G on transcript NM_001271.4 (MANE Select); coding-DNA position 2705, A replaced by G.
Protein change: p.His902Arg; replaces histidine 902 with arginine.
Molecular consequence: missense variant.
Genome position (GRCh38, 1-based): chr15:92,978,361, A>G. VCF-style: chr15-92978361-A-G. GRCh37 (hg19) VCF-style: chr15-93521591-A-G.
Other names: short protein forms H902R.
Identifiers: ClinVar variation 976063 (VCV000976063.8), dbSNP rs2053935622, ClinGen allele CA393893931.